The following is an entry in ClinVar:

NM_019594.4(LRRC8A):c.8C>T (p.Pro3Leu)

Gene: LRRC8A (leucine rich repeat containing 8 VRAC subunit A; plus strand). Cytogenetic location: 9q34.11.
Variant type: single nucleotide variant.
Coding change: c.8C>T on transcript NM_019594.4 (MANE Select); coding-DNA position 8, C replaced by T.
Protein change: p.Pro3Leu; replaces proline 3 with leucine.
Molecular consequence: missense variant.
Genome position (GRCh38, 1-based): chr9:128,907,172, C>T. VCF-style: chr9-128907172-C-T. GRCh37 (hg19) VCF-style: chr9-131669451-C-T.
Other names: c.8C>T, p.Pro3Leu (NM_001127244.2, NM_001127245.2); short protein forms P3L.
Identifiers: ClinVar variation 4742869 (VCV004742869.1).

ClinVar aggregate classification (germline): Uncertain significance (1 of 4 stars; one submission).

gnomAD v4.1: 2 of 1,606,496 alleles (0.00012%); highest among the groups gnomAD compares: Non-Finnish European, 0.00017%; no homozygotes.

Submission:

Labcorp Genetics (formerly Invitae), Labcorp
Classification: Uncertain significance. Last evaluated: 2025-10-23. Review status: criteria provided, single submitter. Criteria: Invitae Variant Classification Sherloc (09022015). Collection method: clinical testing. Allele origin: germline.
Comment: This sequence change replaces proline, which is neutral and non-polar, with leucine, which is neutral and non-polar, at codon 3 of the LRRC8A protein (p.Pro3Leu). This variant is not present in population databases (gnomAD no frequency). This variant has not been reported in the literature in individuals affected with LRRC8A-related conditions. An algorithm developed to predict the effect of missense changes on protein structure and function (PolyPhen-2) suggests that this variant is likely to be disruptive. In summary, the available evidence is currently insufficient to determine the role of this variant in disease. Therefore, it has been classified as a Variant of Uncertain Significance.